The following is an entry in ClinVar:

ClinVar aggregate classification (germline): Uncertain significance. Review status: criteria provided, multiple submitters, no conflicts (2 of 4 stars). 2 submissions from 2 submitters: Uncertain significance (2). Last evaluated 2026-03-27.

gnomAD v4.1: 13 of 1,613,816 alleles (0.00081%); highest among the groups gnomAD compares: Non-Finnish European, 0.0011%; no homozygotes.

Submissions (2):

GeneDx
Classification: Uncertain significance. Last evaluated: 2026-03-27. Review status: criteria provided, single submitter. Criteria: GeneDx Variant Classification Process June 2021. Collection method: clinical testing. Allele origin: germline.
Comment: Has not been previously published as pathogenic or benign to our knowledge; Not observed at significant frequency in large population cohorts (gnomAD); In silico analysis suggests that this missense variant does not alter protein structure/function; Not located in the triple helical region, where the majority of pathogenic missense variants occur (PMID: 22696272; HGMD); This variant is associated with the following publications: (PMID: 22696272)

Women's Health and Genetics/Laboratory Corporation of America, LabCorp
Classification: Uncertain significance. Last evaluated: 2025-06-02. Review status: criteria provided, single submitter. Criteria: LabCorp Variant Classification Summary - May 2015. Collection method: clinical testing. Allele origin: germline.
Comment: Variant summary: COL5A1 c.5287G>A (p.Ala1763Thr) results in a non-conservative amino acid change in the encoded protein sequence. Algorithms developed to predict the effect of missense changes on protein structure and function all suggest that this variant is likely to be disruptive. The frequency data for this variant in gnomAD is considered unreliable, as metrics indicate poor data quality at this position. To our knowledge, no occurrence of c.5287G>A in individuals affected with Ehlers-Danlos syndrome, classic type, Ehlers-Danlos syndrome, classic type, 1 and no experimental evidence demonstrating its impact on protein function have been reported. No submitters have cited clinical-significance assessments for this variant to ClinVar. Based on the evidence outlined above, the variant was classified as uncertain significance.

NM_000093.5(COL5A1):c.5287G>A (p.Ala1763Thr)

Genes: COL5A1 (collagen type V alpha 1 chain; plus strand), LOC101448202 (uncharacterized LOC101448202; minus strand). Cytogenetic location: 9q34.3.
Variant type: single nucleotide variant.
Coding change: c.5287G>A on transcript NM_000093.5 (MANE Select); coding-DNA position 5287, G replaced by A.
Protein change: p.Ala1763Thr; replaces alanine 1763 with threonine.
Molecular consequence: missense variant.
Genome position (GRCh38, 1-based): chr9:134,835,121, G>A. VCF-style: chr9-134835121-G-A. GRCh37 (hg19) VCF-style: chr9-137726967-G-A.
Other names: c.5287G>A, p.Ala1763Thr (NM_001278074.1); c.5287G>A (NM_000093.3); short protein forms A1763T.
Identifiers: ClinVar variation 3907463 (VCV003907463.2).
Genomic context (GRCh38, chr9:134,835,121, plus strand): 5'-ACCTACCACTGCTACCAGTCAGTGGCCTGGCAGGACGCAGCCACGGGCAGCTACGACAAG[G>A]CCCTCCGCTTCCTGGGCTCCAACGACGAGGAGATGTCCTATGACAACAACCCCTACATCC-3'
Protein context (NP_000084.3, residues 1753-1773): QDAATGSYDK[Ala1763Thr]LRFLGSNDEE